The following is an entry in ClinVar:

NM_004855.5(PIGB):c.994T>C (p.Tyr332His)

Gene: PIGB (phosphatidylinositol glycan anchor biosynthesis class B; plus strand). Cytogenetic location: 15q21.3.
Variant type: single nucleotide variant.
Coding change: c.994T>C on transcript NM_004855.5 (MANE Select); coding-DNA position 994, T replaced by C.
Protein change: p.Tyr332His; replaces tyrosine 332 with histidine.
Molecular consequence: missense variant.
Genome position (GRCh38, 1-based): chr15:55,340,759, T>C. VCF-style: chr15-55340759-T-C. GRCh37 (hg19) VCF-style: chr15-55632957-T-C.
Other names: short protein forms Y332H.
Identifiers: ClinVar variation 2132875 (VCV002132875.4), dbSNP rs980606843, ClinGen allele CA270785152.

ClinVar aggregate classification (germline): Uncertain significance (1 of 4 stars; one submission).

Allele frequency attached by ClinVar (database versions not stated): gnomAD exomes below 0.00001.
gnomAD v4.1: 1 of 1,611,438 alleles (0.000062%); highest among the groups gnomAD compares: Non-Finnish European, 0.000085%; no homozygotes.

Submission:

Labcorp Genetics (formerly Invitae), Labcorp
Classification: Uncertain significance. Last evaluated: 2022-08-17. Review status: criteria provided, single submitter. Criteria: Invitae Variant Classification Sherloc (09022015). Collection method: clinical testing. Allele origin: germline.
Comment: This variant has not been reported in the literature in individuals affected with PIGB-related conditions. Algorithms developed to predict the effect of missense changes on protein structure and function (SIFT, PolyPhen-2, Align-GVGD) all suggest that this variant is likely to be tolerated. In summary, the available evidence is currently insufficient to determine the role of this variant in disease. Therefore, it has been classified as a Variant of Uncertain Significance. This variant is not present in population databases (gnomAD no frequency). This sequence change replaces tyrosine, which is neutral and polar, with histidine, which is basic and polar, at codon 332 of the PIGB protein (p.Tyr332His).